The following is an entry in ClinVar:

ClinVar aggregate classification (germline): Uncertain significance (1 of 4 stars; one submission).

Conditions:
Bailey-Bloch congenital myopathy (CMYO13). Also called: STAC3 disorder; Native American myopathy; Congenital myopathy 13. Identifiers: Orphanet 168572, MedGen C1850625, MONDO:0009722, OMIM 255995.

Allele frequency attached by ClinVar (database versions not stated): gnomAD exomes below 0.00001; TOPMed 0.00001.
gnomAD v4.1: 3 of 1,614,090 alleles (0.00019%); highest among the groups gnomAD compares: Non-Finnish European, 0.00025%; no homozygotes.

Submission:

Labcorp Genetics (formerly Invitae), Labcorp
Classification: Uncertain significance for Bailey-Bloch congenital myopathy. Last evaluated: 2022-08-20. Review status: criteria provided, single submitter. Criteria: Invitae Variant Classification Sherloc (09022015). Collection method: clinical testing. Allele origin: germline.
Comment: In summary, the available evidence is currently insufficient to determine the role of this variant in disease. Therefore, it has been classified as a Variant of Uncertain Significance. Variants that disrupt the consensus splice site are a relatively common cause of aberrant splicing (PMID: 17576681, 9536098). Algorithms developed to predict the effect of sequence changes on RNA splicing suggest that this variant may disrupt the consensus splice site. Algorithms developed to predict the effect of missense changes on protein structure and function (SIFT, PolyPhen-2, Align-GVGD) all suggest that this variant is likely to be tolerated. This variant has not been reported in the literature in individuals affected with STAC3-related conditions. This variant is not present in population databases (gnomAD no frequency). This sequence change replaces glycine, which is neutral and non-polar, with arginine, which is basic and polar, at codon 224 of the STAC3 protein (p.Gly224Arg). This variant also falls at the last nucleotide of exon 7, which is part of the consensus splice site for this exon.

Literature cited by the submitters: PubMed 17576681; PubMed 9536098.

NM_145064.3(STAC3):c.670G>A (p.Gly224Arg)

Gene: STAC3 (SH3 and cysteine rich domain 3; minus strand). Cytogenetic location: 12q13.3.
Variant type: single nucleotide variant.
Coding change: c.670G>A on transcript NM_145064.3 (MANE Select); coding-DNA position 670, G replaced by A.
Protein change: p.Gly224Arg; replaces glycine 224 with arginine.
Molecular consequence: missense variant.
Genome position (GRCh38, 1-based): chr12:57,245,145, C>T on the plus strand (G>A on the coding strand, the complement: STAC3 is on the minus strand). VCF-style: chr12-57245145-C-T. GRCh37 (hg19) VCF-style: chr12-57638928-C-T.
Other names: c.553G>A, p.Gly185Arg (NM_001286256.2); c.112G>A, p.Gly38Arg (NM_001286257.2); short protein forms G185R, G224R, G38R.
Identifiers: ClinVar variation 2176045 (VCV002176045.4), dbSNP rs2037704392, ClinGen allele CA385412533.